The following is an entry in ClinVar:

NM_000138.5(FBN1):c.1969_1970del (p.Met657fs)

Gene: FBN1 (fibrillin 1; minus strand). Cytogenetic location: 15q21.1.
Variant type: Deletion.
Coding change: c.1969_1970del on transcript NM_000138.5 (MANE Select); coding-DNA positions 1969 to 1970, 2 bases deleted (AT; older notation c.1969_1970delAT).
Protein change: p.Met657fs; shifts the reading frame from methionine 657.
Molecular consequence: frameshift variant.
Genome position (GRCh38, 1-based): chr15:48,503,930-48,503,931, AT deleted on the plus strand (AT on the coding strand, the reverse complement: FBN1 is on the minus strand). VCF-style (leftmost placement, unchanged base first): chr15-48503929-CAT-C. GRCh37 (hg19) VCF-style: chr15-48796126-CAT-C.
Other names: c.1969_1970delAT, p.Met657Alafs (NM_000138.4); c.1969_1970del, p.Met657fs (NM_001406716.1); short protein forms M657fs.
Identifiers: ClinVar variation 1325480 (VCV001325480.2), dbSNP rs2141315944, ClinGen allele CA2573150780.

ClinVar aggregate classification (germline): Pathogenic (1 of 4 stars; one submission).

Conditions:
Marfan syndrome (MFS). Also called: Marfan syndrome type 1; Marfan's syndrome; FBN1-Related Marfan Syndrome; MARFAN SYNDROME, TYPE I; Marfan syndrome, classic. Identifiers: Orphanet 284963, Orphanet 558, MedGen C0024796, MONDO:0007947, OMIM 154700.

Submission:

Centre of Medical Genetics, University of Antwerp
Classification: Pathogenic for Marfan syndrome. Last evaluated: 2021-03-01. Review status: criteria provided, single submitter. Criteria: Submitter's publication. Collection method: research. Allele origin: unknown. Affected: yes.
Comment: PM2, PVS1, PP4